The following is an entry in ClinVar:

NM_000059.4(BRCA2):c.7946C>T (p.Pro2649Leu)

Gene: BRCA2 (BRCA2 DNA repair associated; plus strand). Cytogenetic location: 13q13.1.
Variant type: single nucleotide variant.
Coding change: c.7946C>T on transcript NM_000059.4 (MANE Select); coding-DNA position 7946, C replaced by T.
Protein change: p.Pro2649Leu; replaces proline 2649 with leucine.
Molecular consequence: missense variant. On other transcripts: non-coding transcript variant (1).
Genome position (GRCh38, 1-based): chr13:32,362,663, C>T. VCF-style: chr13-32362663-C-T. GRCh37 (hg19) VCF-style: chr13-32936800-C-T.
Other names: c.7850C>T, p.Pro2617Leu (NM_001406719.1); c.7946C>T, p.Pro2649Leu (NM_001406720.1, NM_001432077.1); c.3014C>T, p.Pro1005Leu (NM_001406721.1); c.1529C>T, p.Pro510Leu (NM_001406722.1); short protein forms P1005L, P2617L, P2649L, P510L.
Identifiers: ClinVar variation 4867818 (VCV004867818.1).

ClinVar aggregate classification (germline): Uncertain significance (1 of 4 stars; one submission).

Conditions:
Hereditary cancer-predisposing syndrome. Also called: Neoplastic Syndromes, Hereditary; Tumor predisposition; Hereditary Cancer Syndrome; Hereditary neoplastic syndrome. Identifiers: Orphanet 140162, MedGen C0027672, MeSH D009386, MONDO:0015356.

Submission:

Ambry Genetics
Classification: Uncertain significance for Hereditary cancer-predisposing syndrome. Last evaluated: 2026-04-15. Review status: criteria provided, single submitter. Criteria: Ambry Variant Classification Scheme 2023. Collection method: clinical testing. Allele origin: germline.
Comment: The p.P2649L variant (also known as c.7946C>T), located in coding exon 16 of the BRCA2 gene, results from a C to T substitution at nucleotide position 7946. The proline at codon 2649 is replaced by leucine, an amino acid with similar properties. The results from two saturation genome editing-based studies, including a haploid cell-survival assay and a humanized mouse embryonic stem cell line assay of drug response and survival, are discordant for this nucleotide substitution (Huang H et al. Nature. 2025 Feb;638(8050):528-537; Sahu S et al. Nature. 2025 Feb;638(8050):538-545).This amino acid position is highly conserved in available vertebrate species. In addition, this alteration is predicted to be deleterious by in silico analysis. Based on the available evidence, the clinical significance of this variant remains unclear.